The following is an entry in ClinVar:

ClinVar aggregate classification (germline): Uncertain significance (1 of 4 stars; one submission).

Conditions:
Sphingolipid activator protein 1 deficiency. Also called: METACHROMATIC LEUKODYSTROPHY DUE TO CEREBROSIDE SULFATASE ACTIVATOR DEFICIENCY; Saposin B Deficiency; Metachromatic leukodystrophy due to saposin B deficiency. Identifiers: Orphanet 512, MedGen C0268262, MONDO:0009590, OMIM 249900.

Allele frequency attached by ClinVar (database versions not stated): gnomAD exomes below 0.00001 and 0.00001; ExAC 0.00002; TOPMed 0.00005; gnomAD 0.00007 and 0.00008.
gnomAD v4.1: 15 of 1,613,832 alleles (0.00093%); highest among the groups gnomAD compares: African/African-American, 0.02%; no homozygotes.

Submission:

Labcorp Genetics (formerly Invitae), Labcorp
Classification: Uncertain significance for Sphingolipid activator protein 1 deficiency. Last evaluated: 2022-03-19. Review status: criteria provided, single submitter. Criteria: Invitae Variant Classification Sherloc (09022015). Collection method: clinical testing. Allele origin: germline.
Comment: This sequence change replaces leucine, which is neutral and non-polar, with proline, which is neutral and non-polar, at codon 369 of the PSAP protein (p.Leu369Pro). This variant is present in population databases (rs772105675, gnomAD 0.02%). This variant has not been reported in the literature in individuals affected with PSAP-related conditions. Algorithms developed to predict the effect of missense changes on protein structure and function are either unavailable or do not agree on the potential impact of this missense change (SIFT: "Not Available"; PolyPhen-2: "Probably Damaging"; Align-GVGD: "Not Available"). In summary, the available evidence is currently insufficient to determine the role of this variant in disease. Therefore, it has been classified as a Variant of Uncertain Significance.

NM_002778.4(PSAP):c.1106T>C (p.Leu369Pro)

Gene: PSAP (prosaposin; minus strand). Cytogenetic location: 10q22.1.
Variant type: single nucleotide variant.
Coding change: c.1106T>C on transcript NM_002778.4 (MANE Select); coding-DNA position 1106, T replaced by C.
Protein change: p.Leu369Pro; replaces leucine 369 with proline.
Molecular consequence: missense variant.
Genome position (GRCh38, 1-based): chr10:71,819,800, A>G on the plus strand (T>C on the coding strand, the complement: PSAP is on the minus strand). VCF-style: chr10-71819800-A-G. GRCh37 (hg19) VCF-style: chr10-73579557-A-G.
Other names: c.1115T>C, p.Leu372Pro (NM_001042465.3); c.1112T>C, p.Leu371Pro (NM_001042466.3); short protein forms L369P, L371P, L372P.
Identifiers: ClinVar variation 1355723 (VCV001355723.7), dbSNP rs772105675, ClinGen allele CA5547480.